The following is an entry in ClinVar:

NC_000023.10:g.(?_32662229)_(33038337_?)del

Gene: DMD (dystrophin; minus strand). Cytogenetic location: Xp21.1.
Variant type: Deletion.
Identifiers: ClinVar variation 2424827 (VCV002424827.4).

ClinVar aggregate classification (germline): Pathogenic (1 of 4 stars; one submission).

Conditions:
Duchenne muscular dystrophy (DMD). Also called: Duchenne Muscular Dystrophy (DMD); MUSCULAR DYSTROPHY, PSEUDOHYPERTROPHIC PROGRESSIVE, DUCHENNE TYPE. Identifiers: Orphanet 98896, MedGen C0013264, MONDO:0010679, OMIM 310200.

Submission:

Labcorp Genetics (formerly Invitae), Labcorp
Classification: Pathogenic for Duchenne muscular dystrophy. Last evaluated: 2022-01-16. Review status: criteria provided, single submitter. Criteria: Invitae Variant Classification Sherloc (09022015). Collection method: clinical testing. Allele origin: germline.
Comment: This variant is a gross deletion of the genomic region encompassing exon(s) 2-11 of the DMD gene. This deletion is out-of-frame, and is expected to create a premature termination codon and result in an absent or disrupted protein product. Loss-of-function variants in DMD are known to be pathogenic (PMID: 16770791, 25007885). A similar copy number variant has been observed in individuals with Duchenne or Becker muscular dystrophy (PMID: 11409318, 31705731). For these reasons, this variant has been classified as Pathogenic.

Literature cited by the submitters: PubMed 16770791; PubMed 25007885; PubMed 11409318; PubMed 31705731.